The following is an entry in ClinVar:

ClinVar aggregate classification (germline): Uncertain significance (1 of 4 stars; one submission).

Conditions:
Alstrom syndrome (ALMS). Identifiers: Orphanet 64, MedGen C0268425, MONDO:0008763, OMIM 203800.

Submission:

Labcorp Genetics (formerly Invitae), Labcorp
Classification: Uncertain significance for Alstrom syndrome. Last evaluated: 2022-07-25. Review status: criteria provided, single submitter. Criteria: Invitae Variant Classification Sherloc (09022015). Collection method: clinical testing. Allele origin: germline.
Comment: This variant, c.73_74insCGG, results in the insertion of 1 amino acid(s) of the ALMS1 protein (p.Glu24_Glu25insAla), but otherwise preserves the integrity of the reading frame. This variant is not present in population databases (gnomAD no frequency). This variant has not been reported in the literature in individuals affected with ALMS1-related conditions. ClinVar contains an entry for this variant (Variation ID: 1387705). Experimental studies and prediction algorithms are not available or were not evaluated, and the functional significance of this variant is currently unknown. In summary, the available evidence is currently insufficient to determine the role of this variant in disease. Therefore, it has been classified as a Variant of Uncertain Significance.

NM_001378454.1(ALMS1):c.70_71insCGG (p.Glu23_Glu24insAla)

Gene: ALMS1 (ALMS1 centrosome and basal body associated protein; plus strand). Cytogenetic location: 2p13.1.
Variant type: Insertion.
Coding change: c.70_71insCGG on transcript NM_001378454.1 (MANE Select); coding-DNA positions 70 to 71, CGG inserted.
Protein change: p.Glu23_Glu24insAla.
Molecular consequence: inframe insertion.
Genome position: GRCh38 VCF-style: chr2-73385936-A-AGGC. GRCh37 (hg19) VCF-style: chr2-73613064-A-AGGC.
Other names: c.73_74insCGG, p.Glu24_Glu25insAla (NM_015120.4).
Identifiers: ClinVar variation 1387705 (VCV001387705.6), dbSNP rs1442274468, ClinGen allele CA892822556.